The following is an entry in ClinVar:

NM_001243279.3(ACSF3):c.1678C>T (p.Gln560Ter)

Gene: ACSF3 (acyl-CoA synthetase family member 3; plus strand). Cytogenetic location: 16q24.3.
Variant type: single nucleotide variant.
Coding change: c.1678C>T on transcript NM_001243279.3 (MANE Select); coding-DNA position 1678, C replaced by T.
Protein change: p.Gln560Ter; replaces glutamine 560 with a stop codon.
Molecular consequence: nonsense. On other transcripts: non-coding transcript variant (4).
Genome position (GRCh38, 1-based): chr16:89,154,154, C>T. VCF-style: chr16-89154154-C-T. GRCh37 (hg19) VCF-style: chr16-89220562-C-T.
Other names: c.1678C>T, p.Gln560Ter (NM_001127214.4, NM_174917.5); c.883C>T, p.Gln295Ter (NM_001284316.2); short protein forms Q295*, Q560*.
Identifiers: ClinVar variation 4799778 (VCV004799778.1).

ClinVar aggregate classification (germline): Uncertain significance (1 of 4 stars; one submission).

Conditions:
Combined malonic and methylmalonic acidemia. Identifiers: Orphanet 289504, MedGen C3280314, MONDO:0013661, OMIM 614265.

gnomAD v4.1: 1 of 1,613,594 alleles (0.000062%); highest among the groups gnomAD compares: South Asian, 0.0011%; no homozygotes.

Submission:

Labcorp Genetics (formerly Invitae), Labcorp
Classification: Uncertain significance for Combined malonic and methylmalonic acidemia. Last evaluated: 2025-07-06. Review status: criteria provided, single submitter. Criteria: Invitae Variant Classification Sherloc (09022015). Collection method: clinical testing. Allele origin: germline.
Comment: This sequence change creates a premature translational stop signal (p.Gln560*) in the ACSF3 gene. While this is not anticipated to result in nonsense mediated decay, it is expected to disrupt the last 17 amino acid(s) of the ACSF3 protein. This variant is not present in population databases (gnomAD no frequency). This variant has not been reported in the literature in individuals affected with ACSF3-related conditions. Experimental studies and prediction algorithms are not available or were not evaluated, and the functional significance of this variant is currently unknown. In summary, the available evidence is currently insufficient to determine the role of this variant in disease. Therefore, it has been classified as a Variant of Uncertain Significance.